The following is an entry in ClinVar:

NM_006172.4(NPPA):c.281G>T (p.Gly94Val)

Genes: NPPA (natriuretic peptide A; minus strand), NPPA-AS1 (NPPA antisense RNA 1; plus strand), LOC114827827 (VISTA enhancer hs2123; plus strand). Cytogenetic location: 1p36.22.
Variant type: single nucleotide variant.
Coding change: c.281G>T on transcript NM_006172.4 (MANE Select); coding-DNA position 281, G replaced by T.
Protein change: p.Gly94Val; replaces glycine 94 with valine.
Molecular consequence: missense variant.
Genome position (GRCh38, 1-based): chr1:11,847,282, C>A on the plus strand (G>T on the coding strand, the complement: NPPA is on the minus strand). VCF-style: chr1-11847282-C-A. GRCh37 (hg19) VCF-style: chr1-11907339-C-A.
Other names: short protein forms G94V.
Identifiers: ClinVar variation 1936552 (VCV001936552.5), dbSNP rs764899433, ClinGen allele CA597038.

ClinVar aggregate classification (germline): Uncertain significance (1 of 4 stars; one submission).

Conditions:
Atrial fibrillation, familial, 6 (ATFB6). Identifiers: MedGen C2677294, MONDO:0012816, OMIM 612201.

Allele frequency attached by ClinVar (database versions not stated): TOPMed below 0.00001; gnomAD exomes 0.00001; ExAC 0.00003.
gnomAD v4.1: 6 of 1,613,680 alleles (0.00037%); highest among the groups gnomAD compares: Admixed American, 0.01%; no homozygotes.

Submission:

Labcorp Genetics (formerly Invitae), Labcorp
Classification: Uncertain significance for Atrial fibrillation, familial, 6. Last evaluated: 2023-11-18. Review status: criteria provided, single submitter. Criteria: Invitae Variant Classification Sherloc (09022015). Collection method: clinical testing. Allele origin: germline.
Comment: This sequence change replaces glycine, which is neutral and non-polar, with valine, which is neutral and non-polar, at codon 94 of the NPPA protein (p.Gly94Val). This variant is present in population databases (rs764899433, gnomAD 0.01%). This variant has not been reported in the literature in individuals affected with NPPA-related conditions. ClinVar contains an entry for this variant (Variation ID: 1936552). An algorithm developed to predict the effect of missense changes on protein structure and function (PolyPhen-2) suggests that this variant is likely to be disruptive. Algorithms developed to predict the effect of sequence changes on RNA splicing suggest that this variant may create or strengthen a splice site. In summary, the available evidence is currently insufficient to determine the role of this variant in disease. Therefore, it has been classified as a Variant of Uncertain Significance.